The following is an entry in ClinVar:

ClinVar aggregate classification (germline): Uncertain significance (1 of 4 stars; one submission).

Submission:

Labcorp Genetics (formerly Invitae), Labcorp
Classification: Uncertain significance. Last evaluated: 2024-10-03. Review status: criteria provided, single submitter. Criteria: Invitae Variant Classification Sherloc (09022015). Collection method: clinical testing. Allele origin: germline.
Comment: This sequence change replaces tyrosine, which is neutral and polar, with cysteine, which is neutral and slightly polar, at codon 2296 of the CACNA1B protein (p.Tyr2296Cys). This variant is not present in population databases (gnomAD no frequency). This variant has not been reported in the literature in individuals affected with CACNA1B-related conditions. An algorithm developed to predict the effect of missense changes on protein structure and function (PolyPhen-2) suggests that this variant is likely to be disruptive. In summary, the available evidence is currently insufficient to determine the role of this variant in disease. Therefore, it has been classified as a Variant of Uncertain Significance.

NM_000718.4(CACNA1B):c.6887A>G (p.Tyr2296Cys)

Gene: CACNA1B (calcium voltage-gated channel subunit alpha1 B; plus strand). Cytogenetic location: 9q34.3.
Variant type: single nucleotide variant.
Coding change: c.6887A>G on transcript NM_000718.4 (MANE Select); coding-DNA position 6887, A replaced by G.
Protein change: p.Tyr2296Cys; replaces tyrosine 2296 with cysteine.
Molecular consequence: missense variant.
Genome position (GRCh38, 1-based): chr9:138,121,866, A>G. VCF-style: chr9-138121866-A-G. GRCh37 (hg19) VCF-style: chr9-141016318-A-G.
Other names: c.6700A>G, p.Thr2234Ala (NM_001243812.2); short protein forms T2234A, Y2296C.
Identifiers: ClinVar variation 3689946 (VCV003689946.2).